The following is an entry in ClinVar:

NM_024753.5(TTC21B):c.262+5G>A

Gene: TTC21B (tetratricopeptide repeat domain 21B; minus strand). Cytogenetic location: 2q24.3.
Variant type: single nucleotide variant.
Coding change: c.262+5G>A on transcript NM_024753.5 (MANE Select); 5 bases into the intron after coding-DNA position 262, G replaced by A.
Molecular consequence: intron variant.
Genome position (GRCh38, 1-based): chr2:165,949,389, C>T on the plus strand (G>A on the coding strand, the complement: TTC21B is on the minus strand). VCF-style: chr2-165949389-C-T. GRCh37 (hg19) VCF-style: chr2-166805899-C-T.
Identifiers: ClinVar variation 3033050 (VCV003033050.2), dbSNP rs2468254242, ClinGen allele CA429975070.
Genomic context (GRCh38, chr2:165,949,389, plus strand): 5'-CTGAGAAAAATAAAAATAAACTGAATAGGAAAAAATGTCCTAAGCATTGCATTTAAATAT[C>T]ATACCTGGATTAGGACTCATTTTATGGGCATATATCAGTGCAAGTAGAGAACAAAGTGAT-3'

ClinVar aggregate classification (germline): Likely benign (0 of 4 stars; one submission).

Conditions:
TTC21B-related disorder. Also called: TTC21B-related condition; TTC21B-related disorders.

Allele frequency attached by ClinVar (database versions not stated): gnomAD exomes below 0.00001.
gnomAD v4.1: 1 of 1,594,460 alleles (0.000063%); highest among the groups gnomAD compares: Non-Finnish European, 0.000086%; no homozygotes.

Submission:

PreventionGenetics, part of Exact Sciences
Classification: Likely benign for TTC21B-related condition. Last evaluated: 2020-09-01. Review status: no assertion criteria provided. Collection method: clinical testing. Allele origin: germline.
Comment: This variant is classified as likely benign based on ACMG/AMP sequence variant interpretation guidelines (Richards et al. 2015 PMID: 25741868, with internal and published modifications).